The following is an entry in ClinVar:

NM_003072.5(SMARCA4):c.4474A>C (p.Lys1492Gln)

Gene: SMARCA4 (SWI/SNF related BAF chromatin remodeling complex subunit ATPase 4; plus strand). Cytogenetic location: 19p13.2.
Variant type: single nucleotide variant.
Coding change: c.4474A>C on transcript NM_003072.5 (MANE Select); coding-DNA position 4474, A replaced by C.
Protein change: p.Lys1492Gln; replaces lysine 1492 with glutamine.
Molecular consequence: missense variant. On other transcripts: non-coding transcript variant (1).
Genome position (GRCh38, 1-based): chr19:11,058,304, A>C. VCF-style: chr19-11058304-A-C. GRCh37 (hg19) VCF-style: chr19-11168980-A-C.
Other names: c.4474A>C, p.Lys1492Gln (NM_001128844.3); c.4384A>C, p.Lys1462Gln (NM_001128845.2); c.4381A>C, p.Lys1461Gln (NM_001128846.2); c.4375A>C, p.Lys1459Gln (NM_001128847.4, NM_001374457.1); c.4372A>C, p.Lys1458Gln (NM_001128848.2); c.4570A>C, p.Lys1524Gln (NM_001128849.3, NM_001387283.1); short protein forms K1524Q, K1458Q, K1461Q, K1492Q, K1462Q, K1459Q.
Identifiers: ClinVar variation 408633 (VCV000408633.8), dbSNP rs1060502075, ClinGen allele CA16616198.

ClinVar aggregate classification (germline): Uncertain significance (1 of 4 stars; one submission).

Conditions:
Rhabdoid tumor predisposition syndrome 2 (RTPS2). Identifiers: Orphanet 231108, Orphanet 69077, MedGen C2750074, MONDO:0013224, OMIM 613325.

Submission:

Labcorp Genetics (formerly Invitae), Labcorp
Classification: Uncertain significance for Rhabdoid tumor predisposition syndrome 2. Last evaluated: 2020-01-13. Review status: criteria provided, single submitter. Criteria: Invitae Variant Classification Sherloc (09022015). Collection method: clinical testing. Allele origin: germline.
Comment: In summary, this variant is a novel missense change with uncertain impact on protein function. It has been classified as a Variant of Uncertain Significance. Algorithms developed to predict the effect of missense changes on protein structure and function do not agree on the potential impact of this missense change (SIFT: "Deleterious"; PolyPhen-2: "Benign"; Align-GVGD: "Class C45"). This variant is not present in population databases (ExAC no frequency) and has not been reported in the literature in individuals with a SMARCA4-related disease. This sequence change replaces lysine with glutamine at codon 1524 of the SMARCA4 protein (p.Lys1524Gln). The lysine residue is highly conserved and there is a small physicochemical difference between lysine and glutamine.